The following is an entry in ClinVar:

ClinVar aggregate classification (germline): Benign/Likely benign. Review status: criteria provided, multiple submitters, no conflicts (2 of 4 stars). 6 submissions from 6 submitters: Benign (2); Likely benign (2). 2 of the submissions do not count toward it. Last evaluated 2026-04-17.

Conditions:
Myofibrillar myopathy 4. Also called: Zaspopathy (type). Identifiers: Orphanet 98912, MedGen C4721886, MONDO:0012277, OMIM 609452.

Submissions (6):

Women's Health and Genetics/Laboratory Corporation of America, LabCorp
Classification: Benign. Last evaluated: 2026-04-17. Review status: criteria provided, single submitter. Criteria: LabCorp Variant Classification Summary - May 2015. Collection method: clinical testing. Allele origin: germline.

Labcorp Genetics (formerly Invitae), Labcorp
Classification: Benign for Myofibrillar myopathy 4. Last evaluated: 2026-01-27. Review status: criteria provided, single submitter. Criteria: Invitae Variant Classification Sherloc (09022015). Collection method: clinical testing. Allele origin: germline.

GeneDx
Classification: Likely benign. Last evaluated: 2022-06-01. Review status: criteria provided, single submitter. Criteria: GeneDx Variant Classification Process June 2021. Collection method: clinical testing. Allele origin: germline. Affected: yes.
Comment: See Variant Classification Assertion Criteria.

Blueprint Genetics
Classification: Likely benign. Last evaluated: 2021-08-31. Review status: criteria provided, single submitter. Criteria: ACMG Guidelines, 2015. Collection method: clinical testing. Allele origin: germline.

Clinical Genetics DNA and cytogenetics Diagnostics Lab, Erasmus MC, Erasmus Medical Center
Classification: Benign. Review status: no assertion criteria provided. Collection method: clinical testing. Allele origin: germline. Affected: yes. Study: VKGL Data-share Consensus. Not counted in ClinVar's aggregate classification.

Clinical Genetics, Academic Medical Center
Classification: Benign. Review status: no assertion criteria provided. Collection method: clinical testing. Allele origin: germline. Affected: yes. Study: VKGL Data-share Consensus. Not counted in ClinVar's aggregate classification.

NM_007078.3(LDB3):c.690-17CT[3]

Gene: LDB3 (LIM domain binding 3; plus strand). Cytogenetic location: 10q23.2.
Variant type: Microsatellite.
Coding change: c.690-17CT[3] on transcript NM_007078.3 (MANE Select); three copies in a row of the 2-base unit CT starting at c.690-17; the reference has four copies in a row; one copy, 2 bases deleted.
Molecular consequence: intron variant.
Genome position (GRCh38, 1-based): chr10:86,691,885-86,691,886, CT deleted; deleting any 2 consecutive bases within chr10:86,691,879-86,691,886 gives the same sequence; the position shown is the placement nearest the transcript's 3' end. VCF-style (leftmost placement, unchanged base first): chr10-86691878-CCT-C. GRCh37 (hg19) VCF-style: chr10-88451635-CCT-C.
Other names: c.690-17CT[3] (NM_001368064.1, NM_001368063.1, NM_001368065.1 and 1 more transcripts); c.549-17CT[3] (NM_001368068.1, NM_001368066.1, NM_001080114.2 and 2 more transcripts); c.894-17CT[3] (NM_001171610.2, NM_001171611.2); c.690-11_690-10delCT (NM_007078.3).
Identifiers: ClinVar variation 420372 (VCV000420372.16), dbSNP rs544039308, ClinGen allele CA5584871.